The following is an entry in ClinVar:

NM_020911.2(PLXNA4):c.2575C>T (p.Arg859Cys)

Gene: PLXNA4 (plexin A4; minus strand). Cytogenetic location: 7q32.3.
Variant type: single nucleotide variant.
Coding change: c.2575C>T on transcript NM_020911.2 (MANE Select); coding-DNA position 2575, C replaced by T.
Protein change: p.Arg859Cys; replaces arginine 859 with cysteine.
Molecular consequence: missense variant.
Genome position (GRCh38, 1-based): chr7:132,202,657, G>A on the plus strand (C>T on the coding strand, the complement: PLXNA4 is on the minus strand). VCF-style: chr7-132202657-G-A. GRCh37 (hg19) VCF-style: chr7-131887416-G-A.
Other names: c.2575C>T, p.Arg859Cys (NM_001393897.1); short protein forms R859C.
Identifiers: ClinVar variation 4991379 (VCV004991379.1).

ClinVar aggregate classification (germline): Uncertain significance (1 of 4 stars; one submission).

Conditions:
PLXNA4-related disorder. Also called: PLXNA4-related condition.

gnomAD v4.1: 2 of 1,521,002 alleles (0.00013%); highest among the groups gnomAD compares: Non-Finnish European, 0.00018%; no homozygotes.

Submission:

PreventionGenetics, part of Exact Sciences
Classification: Uncertain significance for PLXNA4-related condition. Last evaluated: 2026-03-23. Review status: criteria provided, single submitter. Criteria: ACMG Guidelines, 2015. Collection method: clinical testing. Allele origin: germline.
Comment: The PLXNA4 c.2575C>T variant is predicted to result in the amino acid substitution p.Arg859Cys. To our knowledge, this variant has not been reported in the literature or population database gnomAD, indicating that this variant is rare. At this time, the clinical significance of this variant is uncertain due to the absence of conclusive functional and genetic evidence.